The following is an entry in ClinVar:

ClinVar aggregate classification (germline): Conflicting classifications of pathogenicity. Review status: criteria provided, conflicting classifications (1 of 4 stars). 5 submissions from 5 submitters: Likely pathogenic (4); Uncertain significance (1). Last evaluated 2022-11-29.

Conditions:
Spinocerebellar ataxia type 29 (SCA29). Also called: Spinocerebellar ataxia 29, congenital nonprogressive; CEREBELLAR ATAXIA, CONGENITAL NONPROGRESSIVE, AUTOSOMAL DOMINANT. Identifiers: Orphanet 208513, MedGen C1861732, MONDO:0007298, OMIM 117360.
Inborn genetic diseases. Identifiers: MedGen C0950123, MeSH D030342.

Allele frequency attached by ClinVar (database versions not stated): gnomAD exomes below 0.00001.
gnomAD v4.1: 1 of 1,613,156 alleles (0.000062%); highest among the groups gnomAD compares: Non-Finnish European, 0.000085%; no homozygotes.

Submissions (5):

Labcorp Genetics (formerly Invitae), Labcorp
Classification: Likely pathogenic. Last evaluated: 2022-11-29. Review status: criteria provided, single submitter. Criteria: Invitae Variant Classification Sherloc (09022015). Collection method: clinical testing. Allele origin: germline.
Comment: In summary, the currently available evidence indicates that the variant is pathogenic, but additional data are needed to prove that conclusively. Therefore, this variant has been classified as Likely Pathogenic. This variant disrupts the p.Arg36 amino acid residue in ITPR1. Other variant(s) that disrupt this residue have been determined to be pathogenic (PMID: 27572814, 28620721). This suggests that this residue is clinically significant, and that variants that disrupt this residue are likely to be disease-causing. Advanced modeling of protein sequence and biophysical properties (such as structural, functional, and spatial information, amino acid conservation, physicochemical variation, residue mobility, and thermodynamic stability) performed at Invitae indicates that this missense variant is expected to disrupt ITPR1 protein function. ClinVar contains an entry for this variant (Variation ID: 372854). This variant has not been reported in the literature in individuals affected with ITPR1-related conditions. This variant is not present in population databases (gnomAD no frequency). This sequence change replaces arginine, which is basic and polar, with histidine, which is basic and polar, at codon 36 of the ITPR1 protein (p.Arg36His).

Victorian Clinical Genetics Services, Murdoch Childrens Research Institute
Classification: Likely pathogenic for Spinocerebellar ataxia type 29. Last evaluated: 2020-10-19. Review status: criteria provided, single submitter. Criteria: ACMG Guidelines, 2015. Collection method: clinical testing. Allele origin: germline. Affected: yes.
Comment: Based on the classification scheme VCGS_Germline_v1.3.3, this variant is classified as Likely Pathogenic. Following criteria are met: 0103 - Loss of function and gain of function are known mechanisms of disease in this gene and are associated with congenital nonprogressive spinocerebellar ataxia 29 (SCA29; MIM#117360). (I) 0108 - This gene is associated with both recessive and dominant disease (OMIM). (I) 0200 - Variant is predicted to result in a missense amino acid change from arginine to histidine. (I) 0251 - This variant is heterozygous. (I) 0301 - Variant is absent from gnomAD (both v2 and v3). (SP) 0501 - Missense variant consistently predicted to be damaging by multiple in silico tools or highly conserved with a major amino acid change. (SP) 0600 - Variant is located in the annotated N-terminal suppressor domain (PMID: 30197841). (I) 0704 - Another missense variant comparable to the one identified in this case has limited previous evidence for pathogenicity. Functional studies showed this variant has a gain of function effect on channel function (PMID: 30197841). (SP) 0803 - This variant has limited previous evidence of pathogenicity in unrelated individuals. This variant has been classified as a VUS, however recent reports classify it as likely pathogenic (ClinVar). (SP) 0905 - No published segregation evidence has been identified for this variant. (I) 1007 - No published functional evidence has been identified for this variant. (I) 1208 - Inheritance information for this variant is not currently available in this individual. (I) Legend: (SP) - Supporting pathogenic, (I) - Information, (SB) - Supporting benign

Ambry Genetics
Classification: Uncertain significance for Inborn genetic diseases. Last evaluated: 2020-02-26. Review status: criteria provided, single submitter. Criteria: Ambry Variant Classification Scheme 2023. Collection method: clinical testing. Allele origin: germline.
Comment: The alteration results in an amino acid change:_x000D_ _x000D_ The c.107G>A (p.R36H) alteration is located in exon 4 (coding exon 2) of the ITPR1 gene. This alteration results from a G to A substitution at nucleotide position 107, causing the arginine (R) at amino acid position 36 to be replaced by a histidine (H). The alteration is not observed in population databases: _x000D_ _x000D_ Based on data from the Genome Aggregation Database (gnomAD), the ITPR1 c.107G>A alteration was not observed, with coverage at this position. The altered amino acid is conserved throughout evolution:_x000D_ _x000D_ The p.R36 amino acid is conserved in available vertebrate species. The amino acid is located in a functionally important protein domain:_x000D_ _x000D_ The p.R36 amino acid is located in the N-terminal supressor domain of the IP3 receptor type 1 isoform 2 protein. This domain functions in attenuating the affinity of the IP3-binding core domain to a physiological range, and is also a binding target for many proteins that modulate the channel activity of the receptor. The domain contains a head subdomain forming a beta-trefoil fold. The R36 residue is located on the molecular surface of the head subdomain and could potentially interact simultaneously with the core domain; indeed it was found that mutating this residue to R36E significantly increased IP3 binding affinity (Bosanac, 2002b). The alteration is predicted deleterious by in silico modeling:_x000D_ _x000D_ The p.R36H alteration is predicted to be deleterious by in silico analysis. Based on insufficient or conflicting evidence, the clinical significance of this alteration remains unclear.

CeGaT Center for Human Genetics Tuebingen
Classification: Likely pathogenic. Last evaluated: 2020-02-01. Review status: criteria provided, single submitter. Criteria: CeGaT Center For Human Genetics Tuebingen Variant Classification Criteria Version 2. Collection method: clinical testing. Allele origin: germline. Affected: yes. Observed: 3 variant alleles.

GeneDx
Classification: Likely pathogenic. Last evaluated: 2016-01-14. Review status: criteria provided, single submitter. Criteria: GeneDx Variant Classification (06012015). Collection method: clinical testing. Allele origin: germline. Affected: yes.
Comment: The R36H variant in the ITPR1 gene has not been reported previously as a pathogenic variant, nor as a benign variant, to our knowledge. The R36H variant was not observed in approximately 6,000 individuals of European and African American ancestry in the NHLBI Exome Sequencing Project, indicating it is not a common benign variant in these populations. The R36H variant is a conservative amino acid substitution, which is not likely to impact secondary protein structure as these residues share similar properties. This substitution occurs at a position that is conserved across species. In silico analysis is inconsistent in its predictions as to whether or not the variant is damaging to the protein structure/function. The R36H variant is a strong candidate for a pathogenic variant, however the possibility it may be a rare benign variant cannot be excluded.

Literature cited by the submitters: PubMed 27572814 (cited by Labcorp Genetics (formerly Invitae), Labcorp); PubMed 28620721 (cited by Labcorp Genetics (formerly Invitae), Labcorp); PubMed 30197841 (cited by Victorian Clinical Genetics Services, Murdoch Childrens Research Institute).

NM_001378452.1(ITPR1):c.107G>A (p.Arg36His)

Gene: ITPR1 (inositol 1,4,5-trisphosphate receptor type 1; plus strand). Cytogenetic location: 3p26.1.
Variant type: single nucleotide variant.
Coding change: c.107G>A on transcript NM_001378452.1 (MANE Select); coding-DNA position 107, G replaced by A.
Protein change: p.Arg36His; replaces arginine 36 with histidine.
Molecular consequence: missense variant.
Genome position (GRCh38, 1-based): chr3:4,521,038, G>A. VCF-style: chr3-4521038-G-A. GRCh37 (hg19) VCF-style: chr3-4562722-G-A.
Other names: c.107G>A, p.Arg36His (NM_001099952.4, NM_001168272.2, NM_002222.7); short protein forms R36H.
Identifiers: ClinVar variation 372854 (VCV000372854.50), dbSNP rs1057518026, ClinGen allele CA16042451.